The following is an entry in ClinVar:

ClinVar aggregate classification (germline): Conflicting classifications of pathogenicity. Review status: criteria provided, conflicting classifications (1 of 4 stars). 4 submissions from 4 submitters: Uncertain significance (3); Likely benign (1). Last evaluated 2025-12-21.

Conditions:
Acrodysostosis 1 with or without hormone resistance (ACRDYS1). Also called: ACRODYSOSTOSIS 1 WITH HORMONE RESISTANCE; ACRODYSOSTOSIS 1 WITHOUT HORMONE RESISTANCE; ACRODYSOSTOSIS WITH HORMONE RESISTANCE. Identifiers: Orphanet 280651, MedGen C3276228, MONDO:0007044, OMIM 101800.
Carney complex, type 1 (CNC1). Also called: CARNEY COMPLEX, TYPE I; CARNEY MYXOMA-ENDOCRINE COMPLEX. Identifiers: Orphanet 1359, MedGen C2607929, MONDO:0008057, OMIM 160980.
Hereditary cancer-predisposing syndrome. Also called: Hereditary Cancer Syndrome; Tumor predisposition; Hereditary neoplastic syndrome; Neoplastic Syndromes, Hereditary. Identifiers: Orphanet 140162, MedGen C0027672, MeSH D009386, MONDO:0015356.

Allele frequency attached by ClinVar (database versions not stated): gnomAD exomes below 0.00001 and 0.00001; ExAC 0.00001; TOPMed 0.00002; gnomAD 0.00003; ESP Exome Variant Server 0.00008.
gnomAD v4.1: 5 of 1,609,546 alleles (0.00031%); highest among the groups gnomAD compares: African/African-American, 0.0054%; no homozygotes.

Submissions (4):

Labcorp Genetics (formerly Invitae), Labcorp
Classification: Uncertain significance for Carney complex, type 1. Last evaluated: 2025-12-21. Review status: criteria provided, single submitter. Criteria: Invitae Variant Classification Sherloc (09022015). Collection method: clinical testing. Allele origin: germline.
Comment: This sequence change replaces glutamine, which is neutral and polar, with glutamic acid, which is acidic and polar, at codon 179 of the PRKAR1A protein (p.Gln179Glu). This variant is present in population databases (rs141913727, gnomAD 0.01%). This variant has not been reported in the literature in individuals affected with PRKAR1A-related conditions. ClinVar contains an entry for this variant (Variation ID: 647875). Invitae Evidence Modeling incorporating data from in vitro experimental studies (internal data) indicates that this missense variant is expected to disrupt PRKAR1A function with a positive predictive value of 95%. In summary, the available evidence is currently insufficient to determine the role of this variant in disease. Therefore, it has been classified as a Variant of Uncertain Significance.

Ambry Genetics
Classification: Likely benign for Hereditary cancer-predisposing syndrome. Last evaluated: 2025-03-31. Review status: criteria provided, single submitter. Criteria: Ambry Variant Classification Scheme 2023. Collection method: clinical testing. Allele origin: germline.

Baylor Genetics
Classification: Uncertain significance for Acrodysostosis 1 with or without hormone resistance. Last evaluated: 2024-02-20. Review status: criteria provided, single submitter. Criteria: ACMG Guidelines, 2015. Collection method: clinical testing. Allele origin: unknown.

GeneDx
Classification: Uncertain significance. Last evaluated: 2024-01-03. Review status: criteria provided, single submitter. Criteria: GeneDx Variant Classification Process June 2021. Collection method: clinical testing. Allele origin: germline. Affected: yes.
Comment: Not observed at significant frequency in large population cohorts (gnomAD); In silico analysis supports that this missense variant does not alter protein structure/function; Has not been previously published as pathogenic or benign to our knowledge; This variant is associated with the following publications: (PMID: 24363928)

NM_002734.5(PRKAR1A):c.535C>G (p.Gln179Glu)

Gene: PRKAR1A (protein kinase cAMP-dependent type I regulatory subunit alpha; plus strand). Cytogenetic location: 17q24.2.
Variant type: single nucleotide variant.
Coding change: c.535C>G on transcript NM_002734.5 (MANE Select); coding-DNA position 535, C replaced by G.
Protein change: p.Gln179Glu; replaces glutamine 179 with glutamic acid.
Molecular consequence: missense variant.
Genome position (GRCh38, 1-based): chr17:68,524,944, C>G. VCF-style: chr17-68524944-C-G. GRCh37 (hg19) VCF-style: chr17-66521085-C-G.
Other names: c.535C>G, p.Gln179Glu (NM_001276289.2, NM_001276290.1, NM_001278433.2 and 4 more transcripts); short protein forms Q179E.
Identifiers: ClinVar variation 647875 (VCV000647875.15), dbSNP rs141913727, ClinGen allele CA8729296.